The following is an entry in ClinVar:

ClinVar aggregate classification (germline): Uncertain significance (1 of 4 stars; one submission).

Submission:

Labcorp Genetics (formerly Invitae), Labcorp
Classification: Uncertain significance. Last evaluated: 2021-09-03. Review status: criteria provided, single submitter. Criteria: Invitae Variant Classification Sherloc (09022015). Collection method: clinical testing. Allele origin: germline.
Comment: In summary, the available evidence is currently insufficient to determine the role of this variant in disease. Therefore, it has been classified as a Variant of Uncertain Significance. Algorithms developed to predict the effect of missense changes on protein structure and function (SIFT, PolyPhen-2, Align-GVGD) all suggest that this variant is likely to be tolerated. This sequence change replaces aspartic acid with glutamic acid at codon 764 of the CTNNB1 protein (p.Asp764Glu). The aspartic acid residue is moderately conserved and there is a small physicochemical difference between aspartic acid and glutamic acid. This variant is not present in population databases (ExAC no frequency). This variant has not been reported in the literature in individuals affected with CTNNB1-related conditions.

NM_001904.4(CTNNB1):c.2292T>G (p.Asp764Glu)

Gene: CTNNB1 (catenin beta 1; plus strand). Cytogenetic location: 3p22.1.
Variant type: single nucleotide variant.
Coding change: c.2292T>G on transcript NM_001904.4 (MANE Select); coding-DNA position 2292, T replaced by G.
Protein change: p.Asp764Glu; replaces aspartic acid 764 with glutamic acid.
Molecular consequence: missense variant.
Genome position (GRCh38, 1-based): chr3:41,239,288, T>G. VCF-style: chr3-41239288-T-G. GRCh37 (hg19) VCF-style: chr3-41280779-T-G.
Other names: c.2292T>G, p.Asp764Glu (NM_001098209.2, NM_001098210.2); c.2271T>G, p.Asp757Glu (NM_001330729.2); short protein forms D757E, D764E.
Identifiers: ClinVar variation 1414776 (VCV001414776.6), dbSNP rs2125653951, ClinGen allele CA352237594.